The following is an entry in ClinVar:

ClinVar aggregate classification (germline): Uncertain significance (1 of 4 stars; one submission).

Conditions:
Danon disease. Also called: PSEUDOGLYCOGENOSIS II; GSD IIb; LYSOSOMAL GLYCOGEN STORAGE DISEASE WITHOUT ACID MALTASE DEFICIENCY; Glycogen Storage Disease Type IIb; ANTOPOL DISEASE. Identifiers: Orphanet 34587, MedGen C0878677, MONDO:0010281, OMIM 300257.

gnomAD v4.1: 1 of 1,209,960 alleles (0.000083%); highest among the groups gnomAD compares: Non-Finnish European, 0.00011%; no homozygotes.

Submission:

Labcorp Genetics (formerly Invitae), Labcorp
Classification: Uncertain significance for Danon disease. Last evaluated: 2025-07-21. Review status: criteria provided, single submitter. Criteria: Invitae Variant Classification Sherloc (09022015). Collection method: clinical testing. Allele origin: germline.
Comment: This sequence change replaces glycine, which is neutral and non-polar, with glutamic acid, which is acidic and polar, at codon 326 of the LAMP2 protein (p.Gly326Glu). This variant is not present in population databases (gnomAD no frequency). This variant has not been reported in the literature in individuals affected with LAMP2-related conditions. Invitae Evidence Modeling of protein sequence and biophysical properties (such as structural, functional, and spatial information, amino acid conservation, physicochemical variation, residue mobility, and thermodynamic stability) indicates that this missense variant is expected to disrupt LAMP2 protein function with a positive predictive value of 80%. In summary, the available evidence is currently insufficient to determine the role of this variant in disease. Therefore, it has been classified as a Variant of Uncertain Significance.

NM_002294.3(LAMP2):c.977G>A (p.Gly326Glu)

Gene: LAMP2 (lysosome associated membrane protein 2; minus strand). Cytogenetic location: Xq24.
Variant type: single nucleotide variant.
Coding change: c.977G>A on transcript NM_002294.3 (MANE Select); coding-DNA position 977, G replaced by A.
Protein change: p.Gly326Glu; replaces glycine 326 with glutamic acid.
Molecular consequence: missense variant.
Genome position (GRCh38, 1-based): chrX:120,441,846, C>T on the plus strand (G>A on the coding strand, the complement: LAMP2 is on the minus strand). VCF-style: chrX-120441846-C-T. GRCh37 (hg19) VCF-style: chrX-119575701-C-T.
Other names: c.977G>A, p.Gly326Glu (NM_001122606.1, NM_013995.2); short protein forms G326E.
Identifiers: ClinVar variation 4705929 (VCV004705929.1).
Genomic context (GRCh38, chrX:120,441,846, plus strand): 5'-TTTATCTGAAATGCTCCAGACACTGAAACAGTCTGCTCTTTGTTGCACATATAAGAACTT[C>T]CCAGGGGGGCATCCCAGTAGCTGAGATTGTTATTTGCAATGCTGAAAACTTCAAAGAAAA-3'
Protein context (NP_002285.1, residues 316-336): NNLSYWDAPL[Gly326Glu]SSYMCNKEQT